The following is an entry in ClinVar:

ClinVar aggregate classification (germline): Likely benign. Review status: criteria provided, multiple submitters, no conflicts (2 of 4 stars). 10 submissions from 10 submitters: Likely benign (8). 2 of the submissions do not count toward it. Last evaluated 2026-01-24.

Conditions:
CFTR-related disorder (CFTR-RD). Also called: CFTR-related condition; CFTR-related disorders. Identifiers: MedGen C5924204, MONDO:7770004.
Cystic fibrosis (CF). Also called: MUCOVISCIDOSIS. Identifiers: Orphanet 586, MedGen C0010674, MONDO:0009061, OMIM 219700. Disease mechanism: loss of function.

Allele frequency attached by ClinVar (database versions not stated): ExAC 0.00003; gnomAD 0.00003; gnomAD exomes 0.00004 and 0.00011; TOPMed 0.00006; ESP Exome Variant Server 0.00008; 1000 Genomes Project 30x 0.00016.
gnomAD v4.1: 172 of 1,613,126 alleles (0.011%); highest among the groups gnomAD compares: Non-Finnish European, 0.014%; no homozygotes.

Submissions (10):

Labcorp Genetics (formerly Invitae), Labcorp
Classification: Likely benign for Cystic fibrosis. Last evaluated: 2026-01-24. Review status: criteria provided, single submitter. Criteria: Invitae Variant Classification Sherloc (09022015). Collection method: clinical testing. Allele origin: germline.

Blueprint Genetics
Classification: Likely benign. Last evaluated: 2024-10-01. Review status: criteria provided, single submitter. Criteria: ACMG Guidelines, 2015. Collection method: clinical testing. Allele origin: germline.

ARUP Laboratories, Molecular Genetics and Genomics, ARUP Laboratories
Classification: Likely benign. Last evaluated: 2024-09-25. Review status: criteria provided, single submitter. Criteria: ARUP Molecular Germline Variant Investigation Process 2024. Collection method: clinical testing. Allele origin: germline.

Mayo Clinic Laboratories, Mayo Clinic
Classification: Likely benign. Last evaluated: 2024-06-18. Review status: criteria provided, single submitter. Criteria: ACMG Guidelines, 2015. Collection method: clinical testing. Allele origin: germline. Observed: 3 variant alleles.
Comment: BP4, BP7

Johns Hopkins Genomics, Johns Hopkins University
Classification: Likely benign for Cystic fibrosis. Last evaluated: 2020-05-08. Review status: criteria provided, single submitter. Criteria: ACMG Guidelines, 2015. Collection method: clinical testing. Allele origin: germline.

Women's Health and Genetics/Laboratory Corporation of America, LabCorp
Classification: Likely benign. Last evaluated: 2019-08-30. Review status: criteria provided, single submitter. Criteria: LabCorp Variant Classification Summary - May 2015. Collection method: clinical testing. Allele origin: germline.

Ambry Genetics
Classification: Likely benign for Cystic fibrosis. Last evaluated: 2016-10-13. Review status: criteria provided, single submitter. Criteria: Ambry Variant Classification Scheme 2023. Collection method: clinical testing. Allele origin: germline.

Breakthrough Genomics
Classification: Likely benign. Review status: criteria provided, single submitter. Criteria: ACMG Guidelines, 2015. Collection method: not provided. Allele origin: germline. Inheritance: Autosomal recessive inheritance. Affected: yes.

PreventionGenetics, part of Exact Sciences
Classification: Likely benign for CFTR-related condition. Last evaluated: 2023-12-11. Review status: no assertion criteria provided. Collection method: clinical testing. Allele origin: germline. Not counted in ClinVar's aggregate classification.
Comment: This variant is classified as likely benign based on ACMG/AMP sequence variant interpretation guidelines (Richards et al. 2015 PMID: 25741868, with internal and published modifications).

Natera, Inc.
Classification: Likely benign for Cystic Fibrosis. Last evaluated: 2020-09-16. Review status: no assertion criteria provided. Collection method: clinical testing. Allele origin: germline. Not counted in ClinVar's aggregate classification.

Literature cited by the submitters: PubMed 36609925 (cited by Mayo Clinic Laboratories, Mayo Clinic); PubMed 11379874 (cited by Women's Health and Genetics/Laboratory Corporation of America, LabCorp); PubMed 25735457 (cited by Women's Health and Genetics/Laboratory Corporation of America, LabCorp).

NM_000492.4(CFTR):c.3177A>G (p.Leu1059=)

Genes: CFTR (CF transmembrane conductance regulator; plus strand), CFTR-AS2 (CFTR antisense RNA 2; minus strand), LOC111674472 (DNase I hypersensitive sites in introns 16 and 17a of CFTR; plus strand). Cytogenetic location: 7q31.2.
Variant type: single nucleotide variant.
Coding change: c.3177A>G on transcript NM_000492.4 (MANE Select); coding-DNA position 3177, A replaced by G.
Protein change: p.Leu1059=; no amino-acid change (leucine 1059 retained).
Molecular consequence: synonymous variant.
Genome position (GRCh38, 1-based): chr7:117,611,618, A>G. VCF-style: chr7-117611618-A-G. GRCh37 (hg19) VCF-style: chr7-117251672-A-G.
Other names: p.Leu1059=.
Identifiers: ClinVar variation 53670 (VCV000053670.26), dbSNP rs1800113, ClinGen allele CA327076.
Genomic context (GRCh38, chr7:117,611,618, plus strand): 5'-TTTTCTATGGAAATATTTCACAGGCAGGAGTCCAATTTTCACTCATCTTGTTACAAGCTT[A>G]AAAGGACTATGGACACTTCGTGCCTTCGGACGGCAGCCTTACTTTGAAACTCTGTTCCAC-3'
Protein context (NP_000483.3, residues 1049-1069): SPIFTHLVTS[Leu1059=]KGLWTLRAFG